The following is an entry in ClinVar:

NM_000202.8(IDS):c.1562A>T (p.Glu521Val)

Gene: IDS (iduronate 2-sulfatase; minus strand). Cytogenetic location: Xq28.
Variant type: single nucleotide variant.
Coding change: c.1562A>T on transcript NM_000202.8 (MANE Select); coding-DNA position 1562, A replaced by T.
Protein change: p.Glu521Val; replaces glutamic acid 521 with valine.
Molecular consequence: missense variant.
Genome position (GRCh38, 1-based): chrX:149,482,837, T>A on the plus strand (A>T on the coding strand, the complement: IDS is on the minus strand). VCF-style: chrX-149482837-T-A. GRCh37 (hg19) VCF-style: chrX-148564368-T-A.
Other names: c.1292A>T, p.Glu431Val (NM_001166550.4); short protein forms E431V, E521V.
Identifiers: ClinVar variation 3256083 (VCV003256083.2).
Genomic context (GRCh38, chrX:149,482,837, plus strand): 5'-CCTTGGGAATCATTATACATATTGTGATCCTGCAATGGGTCAGAATCCACAAAATACAGT[T>A]CCCCTGCATGGATGTCAGAAAAGTTAGCTAGAAATTCATCAGGATTGAAGCCAACCCACA-3'
Protein context (NP_000193.1, residues 511-531): LANFSDIHAG[Glu521Val]LYFVDSDPLQ

ClinVar aggregate classification (germline): Likely pathogenic (1 of 4 stars; one submission).

Conditions:
Mucopolysaccharidosis, MPS-II (MPS2). Also called: Hunter Syndrome; IDURONATE 2-SULFATASE DEFICIENCY; Mucopolysaccharidosis Type II; Mucopolysaccharidosis type 2; Attenuated MPS (subtype; formerly known as mild MPS II); Severe MPS II. Identifiers: Orphanet 580, Orphanet 79388, MedGen C0026705, MONDO:0010674, OMIM 309900.

Submission:

Laboratory of Diagnosis and Therapy of Lysosomal Disorders, University of Padova
Classification: Likely pathogenic for Mucopolysaccharidosis, MPS-II. Last evaluated: 2024-06-07. Review status: criteria provided, single submitter. Criteria: ACMG Guidelines, 2015. Collection method: literature only. Allele origin: germline. Affected: yes. Observed: 5 variant alleles.
Comment: Prevalence of the variant significantly increased in affected individuals compared with controls (PS4_Supporting), Absent from controls (or at low frequency) in gnomAD database (PM2_Moderate), Missense variant in a gene with a low rate of benign missense variation (PP2_Supporting), Multiple lines of computational evidence support a deleterious effect (PP3_Supporting), Patient’s phenotype or family history highly specific for the disease (PP4_Strong)

Classification method: ACMG Guidelines [PMID:25741868] with modifications

Literature cited by the submitters: PubMed 9452044; PubMed 9950361; PubMed 9266380; PubMed 36713083; PubMed 36945845.